The following is an entry in ClinVar:

NM_052874.5(STX1B):c.846dup (p.Gly283fs)

Gene: STX1B (syntaxin 1B; minus strand). Cytogenetic location: 16p11.2.
Variant type: Duplication.
Coding change: c.846dup on transcript NM_052874.5 (MANE Select); coding-DNA position 846, one base duplicated (T; older notation c.846dupT).
Protein change: p.Gly283fs; shifts the reading frame from glycine 283.
Molecular consequence: frameshift variant.
Genome position (GRCh38, 1-based): chr16:30,992,842, A duplicated on the plus strand (T on the coding strand, the reverse complement: STX1B is on the minus strand); the first of 2 consecutive A bases (chr16:30,992,842-30,992,843); duplicating either gives the same sequence. VCF-style (leftmost placement, unchanged base first): chr16-30992841-C-CA. GRCh37 (hg19) VCF-style: chr16-31004162-C-CA.
Other names: short protein forms G283fs.
Identifiers: ClinVar variation 4732781 (VCV004732781.1).

ClinVar aggregate classification (germline): Pathogenic (1 of 4 stars; one submission).

Conditions:
Generalized epilepsy with febrile seizures plus, type 9 (GEFSP9). Also called: GEFS+, TYPE 9. Identifiers: Orphanet 36387, MedGen C4015395, MONDO:0014517, OMIM 616172.

Submission:

Labcorp Genetics (formerly Invitae), Labcorp
Classification: Pathogenic for Generalized epilepsy with febrile seizures plus, type 9. Last evaluated: 2025-12-14. Review status: criteria provided, single submitter. Criteria: Invitae Variant Classification Sherloc (09022015). Collection method: clinical testing. Allele origin: germline.
Comment: This sequence change is expected to alter the c-terminus of the STX1B protein (p.Gly283Trpfs*77). While this is not anticipated to result in nonsense mediated decay, it is expected to disrupt the last 6 amino acid(s) of the STX1B protein and extend the protein by 70 additional amino acid residues. This variant is not present in population databases (gnomAD no frequency). This variant has not been reported in the literature in individuals affected with STX1B-related conditions. This variant results in an extension of the STX1B protein. Other variant(s) that result in a similarly extended protein product (p.Thr285Aspfs*75) have been determined to be pathogenic (PMID: 30737342). This suggests that these extensions are likely to be disease-causing. For these reasons, this variant has been classified as Pathogenic.

Literature cited by the submitters: PubMed 30737342.